The following is an entry in ClinVar:

NM_001001433.3(STX16):c.644A>T (p.His215Leu)

Genes: STX16 (syntaxin 16; plus strand), STX16-NPEPL1 (STX16-NPEPL1 readthrough (NMD candidate); plus strand). Cytogenetic location: 20q13.32.
Variant type: single nucleotide variant.
Coding change: c.644A>T on transcript NM_001001433.3 (MANE Select); coding-DNA position 644, A replaced by T.
Protein change: p.His215Leu; replaces histidine 215 with leucine.
Molecular consequence: missense variant. On other transcripts: non-coding transcript variant (4).
Genome position (GRCh38, 1-based): chr20:58,670,599, A>T. VCF-style: chr20-58670599-A-T. GRCh37 (hg19) VCF-style: chr20-57245655-A-T.
Other names: c.632A>T, p.His211Leu (NM_001134772.3); c.593A>T, p.His198Leu (NM_001134773.3); c.485A>T, p.His162Leu (NM_001204868.2); c.581A>T, p.His194Leu (NM_003763.6); short protein forms H215L, H198L, H162L, H194L, H211L.
Identifiers: ClinVar variation 339054 (VCV000339054.11), dbSNP rs185111037, ClinGen allele CA9925381.
Genomic context (GRCh38, chr20:58,670,599, plus strand): 5'-AGCATTTTTTCGACACATCAGTACCACTAATGGATGATGGAGACGATAACACTCTTTACC[A>T]TCGGGTACGTGAACGGGCTGCAAAGCTGATTGCTGTGTCTGTGCACCCCATTCTGCATCT-3'
Protein context (NP_001001433.1, residues 205-225): MDDGDDNTLY[His215Leu]RGFTEDQLVL

ClinVar aggregate classification (germline): Conflicting classifications of pathogenicity. Review status: criteria provided, conflicting classifications (1 of 4 stars). 4 submissions from 4 submitters: Uncertain significance (2); Benign (1); Likely benign (1). Last evaluated 2025-12-06.

Conditions:
Inborn genetic diseases. Identifiers: MedGen C0950123, MeSH D030342.
Pseudohypoparathyroidism type 1B (PHP1B). Also called: PHP IB; Pseudohypoparathyroidism Ib (PHP-Ib); Pseudohypoparathyroidism Type IB. Identifiers: Orphanet 94089, MedGen C1864100, MONDO:0011301, OMIM 603233.

Allele frequency attached by ClinVar (database versions not stated): gnomAD exomes 0.00009; ExAC 0.00010; 1000 Genomes Project 30x 0.00016; TOPMed 0.00016; gnomAD 0.00017; 1000 Genomes Project 0.00020; ESP Exome Variant Server 0.00038.
gnomAD v4.1: 218 of 1,613,824 alleles (0.014%); highest among the groups gnomAD compares: Admixed American, 0.038%; no homozygotes.

Submissions (4):

Labcorp Genetics (formerly Invitae), Labcorp
Classification: Uncertain significance. Last evaluated: 2025-12-06. Review status: criteria provided, single submitter. Criteria: Invitae Variant Classification Sherloc (09022015). Collection method: clinical testing. Allele origin: germline.
Comment: This sequence change replaces histidine, which is basic and polar, with leucine, which is neutral and non-polar, at codon 215 of the STX16 protein (p.His215Leu). This variant is present in population databases (rs185111037, gnomAD 0.02%). This variant has not been reported in the literature in individuals affected with STX16-related conditions. ClinVar contains an entry for this variant (Variation ID: 339054). Invitae Evidence Modeling of protein sequence and biophysical properties (such as structural, functional, and spatial information, amino acid conservation, physicochemical variation, residue mobility, and thermodynamic stability) indicates that this missense variant is not expected to disrupt STX16 protein function with a negative predictive value of 80%. In summary, the available evidence is currently insufficient to determine the role of this variant in disease. Therefore, it has been classified as a Variant of Uncertain Significance.

Fulgent Genetics
Classification: Likely benign for Pseudohypoparathyroidism type 1B. Last evaluated: 2024-04-17. Review status: criteria provided, single submitter. Criteria: ACMG Guidelines, 2015. Collection method: clinical testing. Allele origin: germline.

Ambry Genetics
Classification: Uncertain significance for Inborn genetic diseases. Last evaluated: 2022-12-06. Review status: criteria provided, single submitter. Criteria: Ambry Variant Classification Scheme 2023. Collection method: clinical testing. Allele origin: germline.

Illumina Laboratory Services, Illumina
Classification: Benign for Pseudohypoparathyroidism type 1B. Last evaluated: 2018-01-12. Review status: criteria provided, single submitter. Criteria: ICSL Variant Classification Criteria 13 December 2019. Collection method: clinical testing. Allele origin: germline.
Comment: This variant was observed in the ICSL laboratory as part of a predisposition screen in an ostensibly healthy population. It had not been previously curated by ICSL or reported in the Human Gene Mutation Database (HGMD: prior to June 1st, 2018), and was therefore a candidate for classification through an automated scoring system. Utilizing variant allele frequency, disease prevalence and penetrance estimates, and inheritance mode, an automated score was calculated to assess if this variant is too frequent to cause the disease. Based on the score and internal cut-off values, a variant classified as benign is not then subjected to further curation. The score for this variant resulted in a classification of benign for this disease.